The following is an entry in ClinVar:

ClinVar aggregate classification (germline): Uncertain significance (1 of 4 stars; one submission).

Conditions:
Hepatic methionine adenosyltransferase deficiency. Also called: MAT I/III DEFICIENCY; Methionine adenosyltransferase deficiency; Deficiency of methionine adenosyltransferase; Isolated Persistent Hypermethioninemia. Identifiers: Orphanet 168598, MedGen C0268621, MeSH C564683, MONDO:0009607, OMIM 250850.

Allele frequency attached by ClinVar (database versions not stated): gnomAD exomes 0.00001.

Submission:

Labcorp Genetics (formerly Invitae), Labcorp
Classification: Uncertain significance for Hepatic methionine adenosyltransferase deficiency. Last evaluated: 2026-01-26. Review status: criteria provided, single submitter. Criteria: Invitae Variant Classification Sherloc (09022015). Collection method: clinical testing. Allele origin: germline.
Comment: This sequence change replaces aspartic acid, which is acidic and polar, with asparagine, which is neutral and polar, at codon 191 of the MAT1A protein (p.Asp191Asn). This variant is not present in population databases (gnomAD no frequency). This variant has not been reported in the literature in individuals affected with MAT1A-related conditions. ClinVar contains an entry for this variant (Variation ID: 2723454). Invitae Evidence Modeling of protein sequence and biophysical properties (such as structural, functional, and spatial information, amino acid conservation, physicochemical variation, residue mobility, and thermodynamic stability) indicates that this missense variant is not expected to disrupt MAT1A protein function with a negative predictive value of 80%. In summary, the available evidence is currently insufficient to determine the role of this variant in disease. Therefore, it has been classified as a Variant of Uncertain Significance.

NM_000429.3(MAT1A):c.571G>A (p.Asp191Asn)

Gene: MAT1A (methionine adenosyltransferase 1A; minus strand). Cytogenetic location: 10q22.3.
Variant type: single nucleotide variant.
Coding change: c.571G>A on transcript NM_000429.3 (MANE Select); coding-DNA position 571, G replaced by A.
Protein change: p.Asp191Asn; replaces aspartic acid 191 with asparagine.
Molecular consequence: missense variant.
Genome position (GRCh38, 1-based): chr10:80,276,573, C>T on the plus strand (G>A on the coding strand, the complement: MAT1A is on the minus strand). VCF-style: chr10-80276573-C-T. GRCh37 (hg19) VCF-style: chr10-82036329-C-T.
Other names: short protein forms D191N.
Identifiers: ClinVar variation 2723454 (VCV002723454.3), dbSNP rs2492489779, ClinGen allele CA377362299.
Genomic context (GRCh38, chr10:80,276,573, plus strand): 5'-CGTTGTGCTGCACAGAGATGACGATGGTGTGGATGCGCACAGGGATGACTGCGCCATTGT[C>T]CTGCATGTACTGAACTGTCACCTGTCCATCAGAAGGGTGGGGGAGATACTGTGAGGCTGA-3'
Protein context (NP_000420.1, residues 181-201): KTQVTVQYMQ[Asp191Asn]NGAVIPVRIH